The following is an entry in ClinVar:

NM_030777.4(SLC2A10):c.571G>A (p.Glu191Lys)

Gene: SLC2A10 (solute carrier family 2 member 10; plus strand). Cytogenetic location: 20q13.12.
Variant type: single nucleotide variant.
Coding change: c.571G>A on transcript NM_030777.4 (MANE Select); coding-DNA position 571, G replaced by A.
Protein change: p.Glu191Lys; replaces glutamic acid 191 with lysine.
Molecular consequence: missense variant.
Genome position (GRCh38, 1-based): chr20:46,725,607, G>A. VCF-style: chr20-46725607-G-A. GRCh37 (hg19) VCF-style: chr20-45354246-G-A.
Other names: short protein forms E191K.
Identifiers: ClinVar variation 4822552 (VCV004822552.4).

ClinVar aggregate classification (germline): Uncertain significance (1 of 4 stars; one submission).

Submission:

CeGaT Center for Human Genetics Tuebingen
Classification: Uncertain significance. Last evaluated: 2026-02-01. Review status: criteria provided, single submitter. Criteria: CeGaT Center For Human Genetics Tuebingen Variant Classification Criteria Version 2. Collection method: clinical testing. Allele origin: germline. Affected: yes. Observed: 1 variant allele.
Comment: SLC2A10: PM2, BP4